The following is an entry in ClinVar:

ClinVar aggregate classification (germline): Uncertain significance. Review status: criteria provided, multiple submitters, no conflicts (2 of 4 stars). 3 submissions from 3 submitters: Uncertain significance (3). Last evaluated 2025-11-13.

Conditions:
Inborn genetic diseases. Identifiers: MedGen C0950123, MeSH D030342.

Allele frequency attached by ClinVar (database versions not stated): gnomAD 0.00002; TOPMed below 0.00001.
gnomAD v4.1: 6 of 1,613,760 alleles (0.00037%); highest among the groups gnomAD compares: African/African-American, 0.004%; no homozygotes.

Submissions (3):

Ambry Genetics
Classification: Uncertain significance for Inborn genetic diseases. Last evaluated: 2025-11-13. Review status: criteria provided, single submitter. Criteria: Ambry Variant Classification Scheme 2023. Collection method: clinical testing. Allele origin: germline.

Labcorp Genetics (formerly Invitae), Labcorp
Classification: Uncertain significance. Last evaluated: 2025-10-29. Review status: criteria provided, single submitter. Criteria: Invitae Variant Classification Sherloc (09022015). Collection method: clinical testing. Allele origin: germline.
Comment: This sequence change replaces leucine, which is neutral and non-polar, with proline, which is neutral and non-polar, at codon 2020 of the CACNA1D protein (p.Leu2020Pro). This variant is present in population databases (no rsID available, gnomAD 0.007%). This variant has not been reported in the literature in individuals affected with CACNA1D-related conditions. ClinVar contains an entry for this variant (Variation ID: 2318431). An algorithm developed to predict the effect of missense changes on protein structure and function (PolyPhen-2) suggests that this variant is likely to be disruptive. In summary, the available evidence is currently insufficient to determine the role of this variant in disease. Therefore, it has been classified as a Variant of Uncertain Significance.

GeneDx
Classification: Uncertain significance. Last evaluated: 2024-03-11. Review status: criteria provided, single submitter. Criteria: GeneDx Variant Classification Process June 2021. Collection method: clinical testing. Allele origin: germline. Affected: yes.
Comment: Not observed at significant frequency in large population cohorts (gnomAD); In silico analysis supports that this missense variant has a deleterious effect on protein structure/function; Has not been previously published as pathogenic or benign to our knowledge

NM_001128840.3(CACNA1D):c.5999T>C (p.Leu2000Pro)

Gene: CACNA1D (calcium voltage-gated channel subunit alpha1 D; plus strand). Cytogenetic location: 3p21.1.
Variant type: single nucleotide variant.
Coding change: c.5999T>C on transcript NM_001128840.3 (MANE Select); coding-DNA position 5999, T replaced by C.
Protein change: p.Leu2000Pro; replaces leucine 2000 with proline.
Molecular consequence: missense variant.
Genome position (GRCh38, 1-based): chr3:53,810,105, T>C. VCF-style: chr3-53810105-T-C. GRCh37 (hg19) VCF-style: chr3-53844132-T-C.
Other names: c.6059T>C, p.Leu2020Pro (NM_000720.4); c.5927T>C, p.Leu1976Pro (NM_001128839.3); short protein forms L1976P, L2000P, L2020P.
Identifiers: ClinVar variation 2318431 (VCV002318431.7), dbSNP rs1222552806, ClinGen allele CA353258254.